The following is an entry in ClinVar:

NM_003128.3(SPTBN1):c.1517T>C (p.Val506Ala)

Gene: SPTBN1 (spectrin beta, non-erythrocytic 1; plus strand). Cytogenetic location: 2p16.2.
Variant type: single nucleotide variant.
Coding change: c.1517T>C on transcript NM_003128.3 (MANE Select); coding-DNA position 1517, T replaced by C.
Protein change: p.Val506Ala; replaces valine 506 with alanine.
Molecular consequence: missense variant.
Genome position (GRCh38, 1-based): chr2:54,626,107, T>C. VCF-style: chr2-54626107-T-C. GRCh37 (hg19) VCF-style: chr2-54853244-T-C.
Other names: c.1478T>C, p.Val493Ala (NM_178313.3); short protein forms V493A, V506A.
Identifiers: ClinVar variation 3342966 (VCV003342966.1).

ClinVar aggregate classification (germline): Uncertain significance (1 of 4 stars; one submission).

Submission:

GeneDx
Classification: Uncertain significance. Last evaluated: 2023-04-03. Review status: criteria provided, single submitter. Criteria: GeneDx Variant Classification Process June 2021. Collection method: clinical testing. Allele origin: germline. Affected: yes.
Comment: Not observed at significant frequency in large population cohorts (gnomAD); In silico analysis supports that this missense variant has a deleterious effect on protein structure/function; Has not been previously published as pathogenic or benign to our knowledge